The following is an entry in ClinVar:

NM_001139498.2(FGF13):c.50-148602G>A

Gene: FGF13 (fibroblast growth factor 13; minus strand). Cytogenetic location: Xq26.3.
Variant type: single nucleotide variant.
Coding change: c.50-148602G>A on transcript NM_001139498.2; 148602 bases into the intron before coding-DNA position 50, G replaced by A.
Molecular consequence: intron variant. On other transcripts: missense variant (3).
Genome position (GRCh38, 1-based): chrX:138,857,530, C>T on the plus strand (G>A on the coding strand, the complement: FGF13 is on the minus strand). VCF-style: chrX-138857530-C-T. GRCh37 (hg19) VCF-style: chrX-137939692-C-T.
Other names: c.199G>A, p.Glu67Lys (NM_001139500.2); c.112G>A, p.Glu38Lys (NM_001139501.2, NM_001139502.2); short protein forms E38K, E67K.
Identifiers: ClinVar variation 3363779 (VCV003363779.1).

ClinVar aggregate classification (germline): Uncertain significance (1 of 4 stars; one submission).

Submission:

GeneDx
Classification: Uncertain significance. Last evaluated: 2023-11-02. Review status: criteria provided, single submitter. Criteria: GeneDx Variant Classification Process June 2021. Collection method: clinical testing. Allele origin: germline. Affected: yes.
Comment: Not observed at significant frequency in large population cohorts (gnomAD); In silico analysis supports that this missense variant has a deleterious effect on protein structure/function; Has not been previously published as pathogenic or benign to our knowledge; Reported using an alternate transcript of the gene